The following is an entry in ClinVar:

NM_019844.4(SLCO1B3):c.1272A>G (p.Leu424=)

Genes: SLCO1B3 (solute carrier organic anion transporter family member 1B3; plus strand), SLCO1B3-SLCO1B7 (SLCO1B3-SLCO1B7 readthrough; plus strand). Cytogenetic location: 12p12.2.
Variant type: single nucleotide variant.
Coding change: c.1272A>G on transcript NM_019844.4 (MANE Select); coding-DNA position 1272, A replaced by G.
Protein change: p.Leu424=; no amino-acid change (leucine 424 retained).
Molecular consequence: synonymous variant.
Genome position (GRCh38, 1-based): chr12:20,879,572, A>G. VCF-style: chr12-20879572-A-G. GRCh37 (hg19) VCF-style: chr12-21032506-A-G.
Other names: c.1188A>G, p.Leu396= (NM_001349920.2).
Identifiers: ClinVar variation 307902 (VCV000307902.8), dbSNP rs4149143, ClinGen allele CA6475511.

ClinVar aggregate classification (germline): Conflicting classifications of pathogenicity. Review status: criteria provided, conflicting classifications (1 of 4 stars). 3 submissions from 3 submitters: Uncertain significance (1); Likely benign (1). 1 of the submissions does not count toward it. Last evaluated 2025-03-28.

Conditions:
Rotor syndrome (HBLRR). Also called: HYPERBILIRUBINEMIA, ROTOR TYPE, DIGENIC; HYPERBILIRUBINEMIA, ROTOR TYPE. Identifiers: Orphanet 3111, MedGen C0220991, MONDO:0009379, OMIM 237450.
SLCO1B3-related disorder. Also called: SLCO1B3-related condition.

Allele frequency attached by ClinVar (database versions not stated): gnomAD 0.00009 and 0.00010; TOPMed 0.00011; ExAC 0.00021; 1000 Genomes Project 30x 0.00031; 1000 Genomes Project 0.00040.
gnomAD v4.1: 159 of 1,613,272 alleles (0.0099%); highest among the groups gnomAD compares: East Asian, 0.28%; no homozygotes.

Submissions (3):

ARUP Laboratories, Molecular Genetics and Genomics, ARUP Laboratories
Classification: Likely benign for Rotor syndrome. Last evaluated: 2025-03-28. Review status: criteria provided, single submitter. Criteria: ARUP Molecular Germline Variant Investigation Process 2024. Collection method: clinical testing. Allele origin: germline.

Illumina Laboratory Services, Illumina
Classification: Uncertain significance for Rotor syndrome. Last evaluated: 2018-01-12. Review status: criteria provided, single submitter. Criteria: ICSL Variant Classification Criteria 13 December 2019. Collection method: clinical testing. Allele origin: germline.

PreventionGenetics, part of Exact Sciences
Classification: Likely benign for SLCO1B3-related condition. Last evaluated: 2021-11-22. Review status: no assertion criteria provided. Collection method: clinical testing. Allele origin: germline. Not counted in ClinVar's aggregate classification.
Comment: This variant is classified as likely benign based on ACMG/AMP sequence variant interpretation guidelines (Richards et al. 2015 PMID: 25741868, with internal and published modifications).